The following is an entry in ClinVar:

NM_001142800.2(EYS):c.2633G>A (p.Cys878Tyr)

Gene: EYS (EGF-like photoreceptor maintenance factor; minus strand). Cytogenetic location: 6q12.
Variant type: single nucleotide variant.
Coding change: c.2633G>A on transcript NM_001142800.2 (MANE Select); coding-DNA position 2633, G replaced by A.
Protein change: p.Cys878Tyr; replaces cysteine 878 with tyrosine.
Molecular consequence: missense variant.
Genome position (GRCh38, 1-based): chr6:64,912,492, C>T on the plus strand (G>A on the coding strand, the complement: EYS is on the minus strand). VCF-style: chr6-64912492-C-T. GRCh37 (hg19) VCF-style: chr6-65622385-C-T.
Other names: c.2633G>A, p.Cys878Tyr (NM_001292009.2); short protein forms C878Y.
Identifiers: ClinVar variation 2737520 (VCV002737520.3), dbSNP rs1191859384, ClinGen allele CA364786079.

ClinVar aggregate classification (germline): Uncertain significance (1 of 4 stars; one submission).

Allele frequency attached by ClinVar (database versions not stated): TOPMed below 0.00001.
gnomAD v4.1: 9 of 1,550,954 alleles (0.00058%); highest among the groups gnomAD compares: Non-Finnish European, 0.0007%; no homozygotes.

Submission:

Labcorp Genetics (formerly Invitae), Labcorp
Classification: Uncertain significance. Last evaluated: 2022-11-17. Review status: criteria provided, single submitter. Criteria: Invitae Variant Classification Sherloc (09022015). Collection method: clinical testing. Allele origin: germline.
Comment: In summary, the available evidence is currently insufficient to determine the role of this variant in disease. Therefore, it has been classified as a Variant of Uncertain Significance. Algorithms developed to predict the effect of missense changes on protein structure and function (SIFT, PolyPhen-2, Align-GVGD) all suggest that this variant is likely to be disruptive. This variant has not been reported in the literature in individuals affected with EYS-related conditions. This variant is not present in population databases (gnomAD no frequency). This sequence change replaces cysteine, which is neutral and slightly polar, with tyrosine, which is neutral and polar, at codon 878 of the EYS protein (p.Cys878Tyr).